The following is an entry in ClinVar:

NM_001367498.1(CNTNAP5):c.2863C>T (p.Pro955Ser)

Gene: CNTNAP5 (contactin associated protein family member 5; plus strand). Cytogenetic location: 2q14.3.
Variant type: single nucleotide variant.
Coding change: c.2863C>T on transcript NM_001367498.1 (MANE Select); coding-DNA position 2863, C replaced by T.
Protein change: p.Pro955Ser; replaces proline 955 with serine.
Molecular consequence: missense variant.
Genome position (GRCh38, 1-based): chr2:124,790,012, C>T. VCF-style: chr2-124790012-C-T. GRCh37 (hg19) VCF-style: chr2-125547589-C-T.
Other names: c.2860C>T, p.Pro954Ser (NM_130773.4); short protein forms P954S, P955S.
Identifiers: ClinVar variation 736908 (VCV000736908.5), dbSNP rs541671672, ClinGen allele CA1856302.

ClinVar aggregate classification (germline): Likely benign. Review status: criteria provided, single submitter (1 of 4 stars). 2 submissions from 2 submitters: Likely benign (1). 1 of the submissions does not count toward it. Last evaluated 2018-04-25.

Conditions:
CNTNAP5-related disorder. Also called: CNTNAP5-related condition.

Allele frequency attached by ClinVar (database versions not stated): gnomAD 0.00009 and 0.00013; TOPMed 0.00019; 1000 Genomes Project 0.00020; 1000 Genomes Project 30x 0.00031; ExAC 0.00037; gnomAD exomes 0.00042.
gnomAD v4.1: 215 of 1,613,934 alleles (0.013%); highest among the groups gnomAD compares: East Asian, 0.43%; no homozygotes.

Submissions (2):

Labcorp Genetics (formerly Invitae), Labcorp
Classification: Likely benign. Last evaluated: 2018-04-25. Review status: criteria provided, single submitter. Criteria: Invitae Variant Classification Sherloc (09022015). Collection method: clinical testing. Allele origin: germline.

PreventionGenetics, part of Exact Sciences
Classification: Likely benign for CNTNAP5-related condition. Last evaluated: 2019-10-28. Review status: no assertion criteria provided. Collection method: clinical testing. Allele origin: germline. Not counted in ClinVar's aggregate classification.
Comment: This variant is classified as likely benign based on ACMG/AMP sequence variant interpretation guidelines (Richards et al. 2015 PMID: 25741868, with internal and published modifications).